The following is an entry in ClinVar:

ClinVar aggregate classification (germline): Uncertain significance (1 of 4 stars; one submission).

gnomAD v4.1: 6 of 1,586,438 alleles (0.00038%); highest among the groups gnomAD compares: Admixed American, 0.01%; no homozygotes.

Submission:

CeGaT Center for Human Genetics Tuebingen
Classification: Uncertain significance. Last evaluated: 2025-12-01. Review status: criteria provided, single submitter. Criteria: CeGaT Center For Human Genetics Tuebingen Variant Classification Criteria Version 2. Collection method: clinical testing. Allele origin: germline. Affected: yes. Observed: 1 variant allele.
Comment: CUX1: PM2, BP4

NM_181552.4(CUX1):c.3888-7C>T

Gene: CUX1 (cut like homeobox 1; plus strand). Cytogenetic location: 7q22.1.
Variant type: single nucleotide variant.
Coding change: c.3888-7C>T on transcript NM_181552.4 (MANE Select); 7 bases into the intron before coding-DNA position 3888, C replaced by T.
Molecular consequence: intron variant.
Genome position (GRCh38, 1-based): chr7:102,248,405, C>T. VCF-style: chr7-102248405-C-T. GRCh37 (hg19) VCF-style: chr7-101891685-C-T.
Other names: c.1256-24961C>T (NM_001913.5); c.1250-24961C>T (NM_181500.4); c.1118-24961C>T (NM_001202545.3); c.1208-24961C>T (NM_001202544.3); c.1139-24961C>T (NM_001202546.3); c.3921-7C>T (NM_001202543.2).
Identifiers: ClinVar variation 4682037 (VCV004682037.5).